The following is an entry in ClinVar:

ClinVar aggregate classification (germline): Uncertain significance (1 of 4 stars; one submission).

gnomAD v4.1: 2 of 1,614,034 alleles (0.00012%); highest among the groups gnomAD compares: Admixed American, 0.0017%; no homozygotes.

Submission:

Labcorp Genetics (formerly Invitae), Labcorp
Classification: Uncertain significance. Last evaluated: 2025-03-10. Review status: criteria provided, single submitter. Criteria: Invitae Variant Classification Sherloc (09022015). Collection method: clinical testing. Allele origin: germline.
Comment: This sequence change replaces proline, which is neutral and non-polar, with leucine, which is neutral and non-polar, at codon 753 of the CSF2RB protein (p.Pro753Leu). This variant is not present in population databases (gnomAD no frequency). This variant has not been reported in the literature in individuals affected with CSF2RB-related conditions. Invitae Evidence Modeling of protein sequence and biophysical properties (such as structural, functional, and spatial information, amino acid conservation, physicochemical variation, residue mobility, and thermodynamic stability) indicates that this missense variant is not expected to disrupt CSF2RB protein function with a negative predictive value of 80%. In summary, the available evidence is currently insufficient to determine the role of this variant in disease. Therefore, it has been classified as a Variant of Uncertain Significance.

NM_000395.3(CSF2RB):c.2258C>T (p.Pro753Leu)

Gene: CSF2RB (colony stimulating factor 2 receptor subunit beta; plus strand). Cytogenetic location: 22q12.3.
Variant type: single nucleotide variant.
Coding change: c.2258C>T on transcript NM_000395.3 (MANE Select); coding-DNA position 2258, C replaced by T.
Protein change: p.Pro753Leu; replaces proline 753 with leucine.
Molecular consequence: missense variant.
Genome position (GRCh38, 1-based): chr22:36,938,066, C>T. VCF-style: chr22-36938066-C-T. GRCh37 (hg19) VCF-style: chr22-37334108-C-T.
Other names: c.2276C>T, p.Pro759Leu (NM_001410827.1); short protein forms P759L, P753L.
Identifiers: ClinVar variation 4761594 (VCV004761594.1).